The following is an entry in ClinVar:

NM_032108.4(SEMA6B):c.1223C>T (p.Ala408Val)

Gene: SEMA6B (semaphorin 6B; minus strand). Cytogenetic location: 19p13.3.
Variant type: single nucleotide variant.
Coding change: c.1223C>T on transcript NM_032108.4 (MANE Select); coding-DNA position 1223, C replaced by T.
Protein change: p.Ala408Val; replaces alanine 408 with valine.
Molecular consequence: missense variant.
Genome position (GRCh38, 1-based): chr19:4,550,171, G>A on the plus strand (C>T on the coding strand, the complement: SEMA6B is on the minus strand). VCF-style: chr19-4550171-G-A. GRCh37 (hg19) VCF-style: chr19-4550183-G-A.
Other names: NC_000019.9:g.4550183G>A; short protein forms A408V.
Identifiers: ClinVar variation 3050277 (VCV003050277.4), dbSNP rs142864702, ClinGen allele CA9102553.

ClinVar aggregate classification (germline): Conflicting classifications of pathogenicity. Review status: no assertion criteria provided (0 of 4 stars). 3 submissions from 2 submitters: Uncertain significance (2); Likely benign (1). Last evaluated 2023-01-01.

Conditions:
Optic atrophy. Identifiers: MedGen C0029124, MONDO:0003608, HP:0000648.
SEMA6B-related disorder. Also called: SEMA6B-related condition.
Retinal dystrophy. Also called: Inherited retinal dystrophy. Identifiers: Orphanet 71862, MedGen C0854723, MeSH D058499, MONDO:0019118, HP:0000556.

Allele frequency attached by ClinVar (database versions not stated): ExAC 0.00106; gnomAD 0.00139; ESP Exome Variant Server 0.00154; TOPMed 0.00187; 1000 Genomes Project 30x 0.00219; 1000 Genomes Project 0.00240.
gnomAD v4.1: 2,675 of 1,613,802 alleles (0.17%); highest among the groups gnomAD compares: Admixed American, 0.2%; 4 homozygotes.

Submissions (7):

Institute of Human Genetics, Univ. Regensburg, Univ. Regensburg
Classification: Uncertain significance for Optic atrophy. Last evaluated: 2023-01-01. Review status: no assertion criteria provided. Criteria: ACMG Guidelines, 2015. Collection method: clinical testing. Allele origin: germline. Affected: yes.

Institute of Human Genetics, Univ. Regensburg, Univ. Regensburg
Classification: Uncertain significance for Retinal dystrophy. Last evaluated: 2023-01-01. Review status: no assertion criteria provided. Criteria: ACMG Guidelines, 2015. Collection method: clinical testing. Allele origin: germline. Affected: yes.

PreventionGenetics, part of Exact Sciences
Classification: Likely benign for SEMA6B-related condition. Last evaluated: 2022-02-07. Review status: no assertion criteria provided. Collection method: clinical testing. Allele origin: germline.
Comment: This variant is classified as likely benign based on ACMG/AMP sequence variant interpretation guidelines (Richards et al. 2015 PMID: 25741868, with internal and published modifications).

Dr. Peter K. Rogan Lab, Western University
No classification provided (evidence only). Condition: Familial cancer of breast. Review status: no classification provided. Collection method: in vitro. Allele origin: not applicable. Functional consequence: retained intron. Not counted in ClinVar's aggregate classification.

Dr. Peter K. Rogan Lab, Western University
No classification provided (evidence only). Condition: Hepatocellular carcinoma. Review status: no classification provided. Collection method: in vitro. Allele origin: not applicable. Functional consequence: retained intron. Not counted in ClinVar's aggregate classification.

Dr. Peter K. Rogan Lab, Western University
No classification provided (evidence only). Condition: Gastric cancer. Review status: no classification provided. Collection method: in vitro. Allele origin: not applicable. Functional consequence: retained intron. Not counted in ClinVar's aggregate classification.

Dr. Peter K. Rogan Lab, Western University
No classification provided (evidence only). Condition: Malignant tumor of esophagus. Review status: no classification provided. Collection method: in vitro. Allele origin: not applicable. Functional consequence: retained intron. Not counted in ClinVar's aggregate classification.